The following is an entry in ClinVar:

ClinVar aggregate classification (germline): Conflicting classifications of pathogenicity. Review status: criteria provided, conflicting classifications (1 of 4 stars). 2 submissions from 2 submitters: Likely pathogenic (1); Uncertain significance (1). Last evaluated 2019-08-21.

Conditions:
Maturity-onset diabetes of the young (MODY). Also called: Maturity onset diabetes mellitus in young. Identifiers: Orphanet 552, MedGen C0342276, MONDO:0018911, HP:0004904.
Hyperinsulinemic hypoglycemia, familial, 2. Also called: HYPERINSULINEMIC HYPOGLYCEMIA, PERSISTENT; HYPERINSULINISM, NEONATAL. Identifiers: Orphanet 276580, Orphanet 276603, MedGen C2931833, MONDO:0011153, OMIM 601820. Disease mechanism: loss of function.

Submissions (2):

Diagnostics Services (NGS), CSIR - Centre For Cellular And Molecular Biology
Classification: Likely pathogenic for Hyperinsulinemic hypoglycemia, familial, 2. Last evaluated: 2019-08-21. Review status: criteria provided, single submitter. Criteria: ACMG Guidelines, 2015. Collection method: clinical testing. Allele origin: germline. Inheritance: Autosomal recessive inheritance. Affected: yes. Observed: 1 homozygote.

Clinical Genomics, Uppaluri K&H Personalized Medicine Clinic
Classification: Uncertain significance for Maturity-onset diabetes of the young. Review status: criteria provided, single submitter. Criteria: K&H Uppaluri Personalized Medicine Clinic Variant Classification & Assertion Criteria. Collection method: research. Allele origin: somatic. Inheritance: Autosomal dominant inheritance.
Comment: Mutations in KCNJ11 gene can cause decreased production and secretion of insulin. This can lead to MODY which may be responsive to oral sulfonylureas. However, KCNJ11 gene-Neonatal Diabetes assocation was observed with insufficient evidence of rs1591695840 variant in MODY yet.

Literature cited by the submitters: PubMed 26448950 (cited by Clinical Genomics, Uppaluri K&H Personalized Medicine Clinic); PubMed 15580558 (cited by Clinical Genomics, Uppaluri K&H Personalized Medicine Clinic); PubMed 15718250 (cited by Clinical Genomics, Uppaluri K&H Personalized Medicine Clinic).

NM_000525.4(KCNJ11):c.365T>C (p.Leu122Pro)

Gene: KCNJ11 (potassium inwardly rectifying channel subfamily J member 11; minus strand). Cytogenetic location: 11p15.1.
Variant type: single nucleotide variant.
Coding change: c.365T>C on transcript NM_000525.4 (MANE Select); coding-DNA position 365, T replaced by C.
Protein change: p.Leu122Pro; replaces leucine 122 with proline.
Molecular consequence: missense variant.
Genome position (GRCh38, 1-based): chr11:17,387,727, A>G on the plus strand (T>C on the coding strand, the complement: KCNJ11 is on the minus strand). VCF-style: chr11-17387727-A-G. GRCh37 (hg19) VCF-style: chr11-17409274-A-G.
Other names: c.104T>C, p.Leu35Pro (NM_001166290.2, NM_001377296.1, NM_001377297.1); short protein forms L122P, L35P.
Identifiers: ClinVar variation 694392 (VCV000694392.6), dbSNP rs1591695840, ClinGen allele CA379774149.